The following is an entry in ClinVar:

ClinVar aggregate classification (germline): Uncertain significance (1 of 4 stars; one submission).

Conditions:
Developmental and epileptic encephalopathy, 27 (DEE27). Also called: Epileptic encephalopathy, early infantile, 27; GRIN2B-Related Neurodevelopmental Disorder. Identifiers: Orphanet 3451, MedGen C4015316, MONDO:0014505, OMIM 616139.
Intellectual developmental disorder, autosomal dominant 6, with or without seizures. Also called: Intellectual disability, autosomal dominant 6; GRIN2B-related developmental delay, intellectual disability and autism spectrum disorder. Identifiers: Orphanet 589547, MedGen C3151411, MONDO:0013509, OMIM 613970.

gnomAD v4.1: 3 of 1,614,062 alleles (0.00019%); highest among the groups gnomAD compares: African/African-American, 0.0013%; no homozygotes.

Submission:

Labcorp Genetics (formerly Invitae), Labcorp
Classification: Uncertain significance for Developmental and epileptic encephalopathy, 27; Intellectual developmental disorder, autosomal dominant 6, with or without seizures. Last evaluated: 2024-04-17. Review status: criteria provided, single submitter. Criteria: Invitae Variant Classification Sherloc (09022015). Collection method: clinical testing. Allele origin: germline.
Comment: This sequence change replaces threonine, which is neutral and polar, with serine, which is neutral and polar, at codon 1306 of the GRIN2B protein (p.Thr1306Ser). This variant is not present in population databases (gnomAD no frequency). This variant has not been reported in the literature in individuals affected with GRIN2B-related conditions. Advanced modeling of protein sequence and biophysical properties (such as structural, functional, and spatial information, amino acid conservation, physicochemical variation, residue mobility, and thermodynamic stability) performed at Invitae indicates that this missense variant is not expected to disrupt GRIN2B protein function with a negative predictive value of 95%. In summary, the available evidence is currently insufficient to determine the role of this variant in disease. Therefore, it has been classified as a Variant of Uncertain Significance.

NM_000834.5(GRIN2B):c.3916A>T (p.Thr1306Ser)

Gene: GRIN2B (glutamate ionotropic receptor NMDA type subunit 2B; minus strand). Cytogenetic location: 12p13.1.
Variant type: single nucleotide variant.
Coding change: c.3916A>T on transcript NM_000834.5 (MANE Select); coding-DNA position 3916, A replaced by T.
Protein change: p.Thr1306Ser; replaces threonine 1306 with serine.
Molecular consequence: missense variant.
Genome position (GRCh38, 1-based): chr12:13,563,322, T>A on the plus strand (A>T on the coding strand, the complement: GRIN2B is on the minus strand). VCF-style: chr12-13563322-T-A. GRCh37 (hg19) VCF-style: chr12-13716256-T-A.
Other names: c.3916A>T, p.Thr1306Ser (NM_001413992.1); short protein forms T1306S.
Identifiers: ClinVar variation 3753852 (VCV003753852.2).